The following is an entry in ClinVar:

ClinVar aggregate classification (germline): Uncertain significance. Review status: criteria provided, multiple submitters, no conflicts (2 of 4 stars). 3 submissions from 3 submitters: Uncertain significance (3). Last evaluated 2025-10-23.

Conditions:
Autosomal dominant nonsyndromic hearing loss 10. Identifiers: Orphanet 90635, MedGen C1832476, MONDO:0011031, OMIM 601316.
Dilated cardiomyopathy 1J (CMD1J). Also called: CARDIOMYOPATHY, DILATED, WITH SENSORINEURAL HEARING LOSS, AUTOSOMAL DOMINANT. Identifiers: Orphanet 217622, MedGen C1854368, MONDO:0011541, OMIM 605362.
Cardiovascular phenotype. Identifiers: MedGen CN230736.

Allele frequency attached by ClinVar (database versions not stated): gnomAD exomes 0.00001; TOPMed 0.00001; ExAC 0.00002.
gnomAD v4.1: 7 of 1,614,032 alleles (0.00043%); highest among the groups gnomAD compares: Non-Finnish European, 0.00059%; no homozygotes.

Submissions (3):

Labcorp Genetics (formerly Invitae), Labcorp
Classification: Uncertain significance for Dilated cardiomyopathy 1J. Last evaluated: 2025-10-23. Review status: criteria provided, single submitter. Criteria: Invitae Variant Classification Sherloc (09022015). Collection method: clinical testing. Allele origin: germline.
Comment: This sequence change replaces alanine, which is neutral and non-polar, with threonine, which is neutral and polar, at codon 201 of the EYA4 protein (p.Ala201Thr). This variant is present in population databases (rs765515937, gnomAD 0.003%). This variant has not been reported in the literature in individuals affected with EYA4-related conditions. ClinVar contains an entry for this variant (Variation ID: 969405). Invitae Evidence Modeling of protein sequence and biophysical properties (such as structural, functional, and spatial information, amino acid conservation, physicochemical variation, residue mobility, and thermodynamic stability) indicates that this missense variant is not expected to disrupt EYA4 protein function with a negative predictive value of 80%. In summary, the available evidence is currently insufficient to determine the role of this variant in disease. Therefore, it has been classified as a Variant of Uncertain Significance.

Ambry Genetics
Classification: Uncertain significance for Cardiovascular phenotype. Last evaluated: 2024-04-28. Review status: criteria provided, single submitter. Criteria: Ambry Variant Classification Scheme 2023. Collection method: clinical testing. Allele origin: germline.
Comment: The p.A201T variant (also known as c.601G>A), located in coding exon 8 of the EYA4 gene, results from a G to A substitution at nucleotide position 601. The alanine at codon 201 is replaced by threonine, an amino acid with similar properties. This amino acid position is conserved. In addition, the in silico prediction for this alteration is inconclusive. Since supporting evidence is limited at this time, the clinical significance of this alteration remains unclear.

Clinical Genomics Laboratory, Stanford Medicine
Classification: Uncertain significance for Dilated cardiomyopathy 1J; Autosomal dominant nonsyndromic hearing loss 10. Last evaluated: 2022-12-01. Review status: criteria provided, single submitter. Criteria: ACMG Guidelines, 2015. Collection method: clinical testing. Allele origin: germline. Observed: 1 variant allele, 1 heterozygote.
Comment: The p.Ala201Thr variant in the EYA4 gene has not been previously reported in association with disease. This variant has been identified in 3/113,528 European non-Finnish chromosomes (3/251,156 chromosomes overall) by the Genome Aggregation Database. This variant is present in ClinVar (VCV000969405.11). The alanine at position 201 is poorly evolutionarily conserved. Computational tools predict that the p.Ala201Thr variant is neither deleterious nor benign; however, the accuracy of in silico algorithms is limited. These data were assessed using the ACMG/AMP variant interpretation guidelines. In summary, the significance of the p.Ala201Thr variant is uncertain. Additional information is needed to resolve the significance of this variant. [ACMG evidence codes used: PM2]

NM_004100.5(EYA4):c.601G>A (p.Ala201Thr)

Gene: EYA4 (EYA transcriptional coactivator and phosphatase 4; plus strand). Cytogenetic location: 6q23.2.
Variant type: single nucleotide variant.
Coding change: c.601G>A on transcript NM_004100.5 (MANE Select); coding-DNA position 601, G replaced by A.
Protein change: p.Ala201Thr; replaces alanine 201 with threonine.
Molecular consequence: missense variant.
Genome position (GRCh38, 1-based): chr6:133,462,641, G>A. VCF-style: chr6-133462641-G-A. GRCh37 (hg19) VCF-style: chr6-133783779-G-A.
Other names: c.439G>A, p.Ala147Thr (NM_001301012.2, NM_001370459.1); c.601G>A, p.Ala201Thr (NM_001301013.2, NM_172105.4); c.532G>A, p.Ala178Thr (NM_001370458.1, NM_172103.4); short protein forms A147T, A178T, A201T.
Identifiers: ClinVar variation 969405 (VCV000969405.13), dbSNP rs765515937, ClinGen allele CA4008114.